The following is an entry in ClinVar:

ClinVar aggregate classification (germline): Uncertain significance (1 of 4 stars; one submission).

Submission:

Ambry Genetics
Classification: Uncertain significance. Last evaluated: 2024-05-17. Review status: criteria provided, single submitter. Criteria: Ambry Variant Classification Scheme 2023. Collection method: clinical testing. Allele origin: germline.
Comment: The p.G530S variant (also known as c.1588G>A), located in coding exon 3 of the ALPK2 gene, results from a G to A substitution at nucleotide position 1588. The glycine at codon 530 is replaced by serine, an amino acid with similar properties. This amino acid position is conserved. In addition, this alteration is predicted to be tolerated by in silico analysis. Based on the available evidence, the clinical significance of this variant remains unclear.

NM_052947.4(ALPK2):c.1588G>A (p.Gly530Ser)

Gene: ALPK2 (alpha kinase 2; minus strand). Cytogenetic location: 18q21.31.
Variant type: single nucleotide variant.
Coding change: c.1588G>A on transcript NM_052947.4 (MANE Select); coding-DNA position 1588, G replaced by A.
Protein change: p.Gly530Ser; replaces glycine 530 with serine.
Molecular consequence: missense variant.
Genome position (GRCh38, 1-based): chr18:58,579,188, C>T on the plus strand (G>A on the coding strand, the complement: ALPK2 is on the minus strand). VCF-style: chr18-58579188-C-T. GRCh37 (hg19) VCF-style: chr18-56246420-C-T.
Other names: short protein forms G530S.
Identifiers: ClinVar variation 3290387 (VCV003290387.1).